The following is an entry in ClinVar:

NM_007254.4(PNKP):c.1189_1237dup (p.Leu413delinsArgHisAlaArgLeuLeuAlaAlaLeuCysAspHisValTer)

Gene: PNKP (polynucleotide kinase 3'-phosphatase; minus strand). Cytogenetic location: 19q13.33.
Variant type: Duplication.
Coding change: c.1189_1237dup on transcript NM_007254.4 (MANE Select); coding-DNA positions 1189 to 1237, 49 bases duplicated.
Protein change: p.Leu413delinsArgHisAlaArgLeuLeuAlaAlaLeuCysAspHisValTer.
Molecular consequence: nonsense.
Genome position (GRCh38, 1-based): chr19:49,861,833-49,861,881, 49 bases duplicated. GRCh37 (hg19): chr19:50,365,090-50,365,138.
Identifiers: ClinVar variation 420951 (VCV000420951.2), dbSNP rs1555810891, ClinGen allele CA16620875.
Genomic context (GRCh38, chr19:49,861,832, plus strand): 5'-CTGGCGCGGCTCGCGGCGTCTGGGTTTGTGTTGTCGATGGCGACCCGTTTCCCTTGCTTC[A>AGGGCTGTCTCACACGTGGTCACACAGCGCTGCCAGGAGCCTAGCGTGTC]GGGCTGTCTCACACGTGGTCACACAGCGCTGCCAGGAGCCTAGCGTGTCCTGGGGACACG-3'

ClinVar aggregate classification (germline): Likely pathogenic (1 of 4 stars; one submission).

Submission:

GeneDx
Classification: Likely pathogenic. Last evaluated: 2016-04-18. Review status: criteria provided, single submitter. Criteria: GeneDx Variant Classification (06012015). Collection method: clinical testing. Allele origin: germline. Affected: yes.
Comment: A novel c.1189_1237dup49 variant that is likely pathogenic has been identified in the PNKP gene. The c.1189_1237dup49 variant has not been published as a pathogenic variant, nor has it been reported as a benign variant to our knowledge. It was not observed in approximately 6,500 individuals of European and African American ancestry in the NHLBI Exome Sequencing Project, indicating it is not a common benign variant in these populations. The c.1189_1237dup49 variant causes a frameshift starting with codon Leucine 413, changes this amino acid to an Arginine residue and creates a premature Stop codon at position 14 of the new reading frame, denoted p.Leu413ArgfsX14. This variant is predicted to cause loss of normal protein function either through protein truncation or nonsense-mediated mRNA decay. Therefore, this variant is likely pathogenic; however, the possibility that it is benign cannot be excluded.